The following is an entry in ClinVar:

NM_003200.5(TCF3):c.1358C>A (p.Ala453Glu)

Gene: TCF3 (transcription factor 3; minus strand). Cytogenetic location: 19p13.3.
Variant type: single nucleotide variant.
Coding change: c.1358C>A on transcript NM_003200.5 (MANE Select); coding-DNA position 1358, C replaced by A.
Protein change: p.Ala453Glu; replaces alanine 453 with glutamic acid.
Molecular consequence: missense variant.
Genome position (GRCh38, 1-based): chr19:1,619,203, G>T on the plus strand (C>A on the coding strand, the complement: TCF3 is on the minus strand). VCF-style: chr19-1619203-G-T. GRCh37 (hg19) VCF-style: chr19-1619202-G-T.
Other names: c.1358C>A, p.Ala453Glu (NM_001136139.4, NM_001351779.2); c.1355C>A, p.Ala452Glu (NM_001351778.2); short protein forms A453E, A452E.
Identifiers: ClinVar variation 2245424 (VCV002245424.5), dbSNP rs1407343265, ClinGen allele CA403052466.
Genomic context (GRCh38, chr19:1,619,203, plus strand): 5'-GGGAGGGTGCCTGGCTGGCTGGGGAGGGCCGCGTGGTTGTGCATGAGGCTGGTGCTGCCT[G>T]CGAGGCCGTCCTCGGGGTGGCTGCCTCCAACCTGCAGGCGTGGGGAGACGGGTGCATCAG-3'
Protein context (NP_003191.1, residues 443-463): VGGSHPEDGL[Ala453Glu]GSTSLMHNHA

ClinVar aggregate classification (germline): Uncertain significance. Review status: criteria provided, multiple submitters, no conflicts (2 of 4 stars). 2 submissions from 2 submitters: Uncertain significance (2). Last evaluated 2024-07-19.

Conditions:
Inborn genetic diseases. Identifiers: MedGen C0950123, MeSH D030342.

Allele frequency attached by ClinVar (database versions not stated): gnomAD exomes 0.00001.
gnomAD v4.1: 7 of 1,599,340 alleles (0.00044%); highest among the groups gnomAD compares: Middle Eastern, 0.035%; no homozygotes.

Submissions (2):

Labcorp Genetics (formerly Invitae), Labcorp
Classification: Uncertain significance. Last evaluated: 2024-07-19. Review status: criteria provided, single submitter. Criteria: Invitae Variant Classification Sherloc (09022015). Collection method: clinical testing. Allele origin: germline.
Comment: This sequence change replaces alanine, which is neutral and non-polar, with glutamic acid, which is acidic and polar, at codon 453 of the TCF3 protein (p.Ala453Glu). This variant is present in population databases (no rsID available, gnomAD 0.03%). This variant has not been reported in the literature in individuals affected with TCF3-related conditions. ClinVar contains an entry for this variant (Variation ID: 2245424). An algorithm developed to predict the effect of missense changes on protein structure and function (PolyPhen-2) suggests that this variant is likely to be tolerated. In summary, the available evidence is currently insufficient to determine the role of this variant in disease. Therefore, it has been classified as a Variant of Uncertain Significance.

Ambry Genetics
Classification: Uncertain significance for Inborn genetic diseases. Last evaluated: 2021-08-16. Review status: criteria provided, single submitter. Criteria: Ambry Variant Classification Scheme 2023. Collection method: clinical testing. Allele origin: germline.